The following is an entry in ClinVar:

NM_015488.5(PNKD):c.415C>T (p.Gln139Ter)

Genes: PNKD (PNKD metallo-beta-lactamase domain containing; plus strand), CATIP-AS2 (CATIP antisense RNA 2; minus strand). Cytogenetic location: 2q35.
Variant type: single nucleotide variant.
Coding change: c.415C>T on transcript NM_015488.5 (MANE Select); coding-DNA position 415, C replaced by T.
Protein change: p.Gln139Ter; replaces glutamine 139 with a stop codon.
Molecular consequence: nonsense.
Genome position (GRCh38, 1-based): chr2:218,340,091, C>T. VCF-style: chr2-218340091-C-T. GRCh37 (hg19) VCF-style: chr2-219204814-C-T.
Other names: c.343C>T, p.Gln115Ter (NM_022572.5); short protein forms Q115*, Q139*.
Identifiers: ClinVar variation 651066 (VCV000651066.6), dbSNP rs372675235, ClinGen allele CA2103941.

ClinVar aggregate classification (germline): Uncertain significance (1 of 4 stars; one submission).

Conditions:
Paroxysmal nonkinesigenic dyskinesia. Also called: Paroxysmal non-kinesigenic dyskinesia. Identifiers: Orphanet 98810, MedGen C1869117, MONDO:0700088.

Allele frequency attached by ClinVar (database versions not stated): TOPMed 0.00002; ExAC 0.00003; ESP Exome Variant Server 0.00008.
gnomAD v4.1: 13 of 1,613,888 alleles (0.00081%); highest among the groups gnomAD compares: African/African-American, 0.0013%; no homozygotes.

Submission:

Labcorp Genetics (formerly Invitae), Labcorp
Classification: Uncertain significance for Paroxysmal nonkinesigenic dyskinesia. Last evaluated: 2025-07-21. Review status: criteria provided, single submitter. Criteria: Invitae Variant Classification Sherloc (09022015). Collection method: clinical testing. Allele origin: germline.
Comment: This sequence change creates a premature translational stop signal (p.Gln139*) in the PNKD gene. It is expected to result in an absent or disrupted protein product. However, the current clinical and genetic evidence is not sufficient to establish whether loss-of-function variants in PNKD cause disease. This variant is present in population databases (rs372675235, gnomAD 0.003%). This premature translational stop signal has been observed in individual(s) with Tourette syndrome or tic disorder (PMID: 28893297). ClinVar contains an entry for this variant (Variation ID: 651066). In summary, the available evidence is currently insufficient to determine the role of this variant in disease. Therefore, it has been classified as a Variant of Uncertain Significance.

Literature cited by the submitters: PubMed 28893297.